The following is an entry in ClinVar:

NM_000388.4(CASR):c.413C>G (p.Thr138Arg)

Gene: CASR (calcium sensing receptor; plus strand). Cytogenetic location: 3q21.1.
Variant type: single nucleotide variant.
Coding change: c.413C>G on transcript NM_000388.4 (MANE Select); coding-DNA position 413, C replaced by G.
Protein change: p.Thr138Arg; replaces threonine 138 with arginine.
Molecular consequence: missense variant.
Genome position (GRCh38, 1-based): chr3:122,257,308, C>G. VCF-style: chr3-122257308-C-G. GRCh37 (hg19) VCF-style: chr3-121976155-C-G.
Other names: c.413C>G, p.Thr138Arg (NM_001178065.2); short protein forms T138R.
Identifiers: ClinVar variation 2948769 (VCV002948769.3), dbSNP rs121909263, ClinGen allele CA354362852.

ClinVar aggregate classification (germline): Uncertain significance (1 of 4 stars; one submission).

Conditions:
Autosomal dominant hypocalcemia 1 (HYPOC1). Also called: HYPOCALCEMIA, FAMILIAL. Identifiers: MedGen C3715128, MONDO:0011013, OMIM 601198.
Familial hypocalciuric hypercalcemia (FHH). Also called: Familial benign hypercalcemia. Identifiers: Orphanet 405, MedGen C1809471, MONDO:0018458.

Submission:

Labcorp Genetics (formerly Invitae), Labcorp
Classification: Uncertain significance for Familial hypocalciuric hypercalcemia; Autosomal dominant hypocalcemia 1. Last evaluated: 2023-07-26. Review status: criteria provided, single submitter. Criteria: Invitae Variant Classification Sherloc (09022015). Collection method: clinical testing. Allele origin: germline.
Comment: This sequence change replaces threonine, which is neutral and polar, with arginine, which is basic and polar, at codon 138 of the CASR protein (p.Thr138Arg). An algorithm developed to predict the effect of missense changes on protein structure and function (PolyPhen-2) suggests that this variant is likely to be disruptive. This variant disrupts the p.Thr138 amino acid residue in CASR. Other variant(s) that disrupt this residue have been determined to be pathogenic (PMID: 1302026, 7726161, 11889203, 22422767). This suggests that this residue is clinically significant, and that variants that disrupt this residue are likely to be disease-causing. In summary, the available evidence is currently insufficient to determine the role of this variant in disease. Therefore, it has been classified as a Variant of Uncertain Significance. This variant is not present in population databases (gnomAD no frequency). This variant has not been reported in the literature in individuals affected with CASR-related conditions.

Literature cited by the submitters: PubMed 1302026; PubMed 7726161; PubMed 11889203; PubMed 22422767.